The following is an entry in ClinVar:

ClinVar aggregate classification (germline): Uncertain significance (1 of 4 stars; one submission).

Conditions:
Early Myoclonic Encephalopathy. Identifiers: MedGen C0270855.

Submission:

Labcorp Genetics (formerly Invitae), Labcorp
Classification: Uncertain significance for Early Myoclonic Encephalopathy. Last evaluated: 2024-08-08. Review status: criteria provided, single submitter. Criteria: Invitae Variant Classification Sherloc (09022015). Collection method: clinical testing. Allele origin: germline.
Comment: This sequence change replaces arginine, which is basic and polar, with proline, which is neutral and non-polar, at codon 27 of the JMJD1C protein (p.Arg27Pro). This variant is not present in population databases (gnomAD no frequency). This variant has not been reported in the literature in individuals affected with JMJD1C-related conditions. An algorithm developed to predict the effect of missense changes on protein structure and function (PolyPhen-2) suggests that this variant is likely to be tolerated. In summary, the available evidence is currently insufficient to determine the role of this variant in disease. Therefore, it has been classified as a Variant of Uncertain Significance.

NM_032776.3(JMJD1C):c.80G>C (p.Arg27Pro)

Genes: JMJD1C (jumonji domain containing 1C; minus strand), JMJD1C-AS1 (JMJD1C antisense RNA 1; plus strand). Cytogenetic location: 10q21.3.
Variant type: single nucleotide variant.
Coding change: c.80G>C on transcript NM_032776.3 (MANE Select); coding-DNA position 80, G replaced by C.
Protein change: p.Arg27Pro; replaces arginine 27 with proline.
Molecular consequence: missense variant. On other transcripts: non-coding transcript variant (1), intron variant (2).
Genome position (GRCh38, 1-based): chr10:63,465,583, C>G on the plus strand (G>C on the coding strand, the complement: JMJD1C is on the minus strand). VCF-style: chr10-63465583-C-G. GRCh37 (hg19) VCF-style: chr10-65225343-C-G.
Other names: c.80G>C, p.Arg27Pro (NM_001322252.2); c.-384+56155G>C (NM_001322258.2); c.-379+56155G>C (NM_001318154.2); short protein forms R27P.
Identifiers: ClinVar variation 3656910 (VCV003656910.2).